The following is an entry in ClinVar:

ClinVar aggregate classification (germline): Uncertain significance (1 of 4 stars; one submission).

gnomAD v4.1: 21 of 1,614,160 alleles (0.0013%); highest among the groups gnomAD compares: Non-Finnish European, 0.00076%; no homozygotes.

Submission:

Labcorp Genetics (formerly Invitae), Labcorp
Classification: Uncertain significance. Last evaluated: 2023-11-24. Review status: criteria provided, single submitter. Criteria: Invitae Variant Classification Sherloc (09022015). Collection method: clinical testing. Allele origin: germline.
Comment: This sequence change replaces valine, which is neutral and non-polar, with leucine, which is neutral and non-polar, at codon 413 of the SEMA4A protein (p.Val413Leu). This variant is present in population databases (rs764520336, gnomAD 0.008%). This variant has not been reported in the literature in individuals affected with SEMA4A-related conditions. ClinVar contains an entry for this variant (Variation ID: 1347326). Advanced modeling of protein sequence and biophysical properties (such as structural, functional, and spatial information, amino acid conservation, physicochemical variation, residue mobility, and thermodynamic stability) performed at Invitae indicates that this missense variant is not expected to disrupt SEMA4A protein function with a negative predictive value of 80%. In summary, the available evidence is currently insufficient to determine the role of this variant in disease. Therefore, it has been classified as a Variant of Uncertain Significance.

NM_022367.4(SEMA4A):c.1237G>T (p.Val413Leu)

Gene: SEMA4A (semaphorin 4A; plus strand). Cytogenetic location: 1q22.
Variant type: single nucleotide variant.
Coding change: c.1237G>T on transcript NM_022367.4 (MANE Select); coding-DNA position 1237, G replaced by T.
Protein change: p.Val413Leu; replaces valine 413 with leucine.
Molecular consequence: missense variant.
Genome position (GRCh38, 1-based): chr1:156,172,928, G>T. VCF-style: chr1-156172928-G-T. GRCh37 (hg19) VCF-style: chr1-156142719-G-T.
Other names: c.1237G>T, p.Val413Leu (NM_001193300.2, NM_001193301.2, NM_001370567.1); c.841G>T, p.Val281Leu (NM_001193302.2); c.940G>T, p.Val314Leu (NM_001370568.1); c.730G>T, p.Val244Leu (NM_001370569.1, NM_001370571.1); short protein forms V413L, V281L, V314L, V244L.
Identifiers: ClinVar variation 1347326 (VCV001347326.8), dbSNP rs764520336, ClinGen allele CA1155313.